The following is an entry in ClinVar:

NM_001374385.1(ATP8B1):c.2052C>T (p.Asp684=)

Gene: ATP8B1 (ATPase phospholipid transporting 8B1; minus strand). Cytogenetic location: 18q21.31.
Variant type: single nucleotide variant.
Coding change: c.2052C>T on transcript NM_001374385.1 (MANE Select); coding-DNA position 2052, C replaced by T.
Protein change: p.Asp684=; no amino-acid change (aspartic acid 684 retained).
Molecular consequence: synonymous variant.
Genome position (GRCh38, 1-based): chr18:57,669,363, G>A on the plus strand (C>T on the coding strand, the complement: ATP8B1 is on the minus strand). VCF-style: chr18-57669363-G-A. GRCh37 (hg19) VCF-style: chr18-55336595-G-A.
Other names: c.1902C>T, p.Asp634= (NM_001374386.1); c.2052C>T, p.Asp684= (NM_005603.6).
Identifiers: ClinVar variation 327482 (VCV000327482.34), dbSNP rs370484798, ClinGen allele CA8974407.

ClinVar aggregate classification (germline): Likely benign. Review status: criteria provided, multiple submitters, no conflicts (2 of 4 stars). 4 submissions from 4 submitters: Likely benign (4). Last evaluated 2026-04-14.

Conditions:
ATP8B1-related disorder. Also called: ATP8B1-related disorders; ATP8B1-related condition.
Familial intrahepatic cholestasis. Identifiers: Orphanet 284385, MedGen CN296401, MONDO:0017290.

Allele frequency attached by ClinVar (database versions not stated): ExAC 0.00001; gnomAD exomes 0.00002 and 0.00003; gnomAD 0.00003; TOPMed 0.00006; ESP Exome Variant Server 0.00008.
gnomAD v4.1: 48 of 1,613,446 alleles (0.003%); highest among the groups gnomAD compares: Non-Finnish European, 0.0038%; no homozygotes.

Submissions (4):

Genomenon, Inc
Classification: Likely benign for Familial intrahepatic cholestasis. Last evaluated: 2026-04-14. Review status: criteria provided, single submitter. Criteria: Genomenon Sequence Variant Interpretation Standards - Updated. Collection method: curation. Allele origin: germline. Affected: no.
Comment: ATP8B1 c.2052C>T is a synonymous variant that retains Aspartic acid at residue 684. This variant has been reported in the published literature (PMID:24260417). It is absent or not present at a significant frequency in gnomAD. This synonymous variant is not predicted to impact splicing. In conclusion, we classify ATP8B1 p.Asp684= (c.2052C>T) as a likely benign variant.

PreventionGenetics, part of Exact Sciences
Classification: Likely benign for ATP8B1-related condition. Last evaluated: 2025-08-26. Review status: criteria provided, single submitter. Criteria: ACMG Guidelines, 2015. Collection method: clinical testing. Allele origin: germline.
Comment: This variant is classified as likely benign based on ACMG/AMP sequence variant interpretation guidelines (Richards et al. 2015 PMID: 25741868, with internal and published modifications).

Labcorp Genetics (formerly Invitae), Labcorp
Classification: Likely benign. Last evaluated: 2024-01-09. Review status: criteria provided, single submitter. Criteria: Invitae Variant Classification Sherloc (09022015). Collection method: clinical testing. Allele origin: germline.

CeGaT Center for Human Genetics Tuebingen
Classification: Likely benign. Last evaluated: 2022-06-01. Review status: criteria provided, single submitter. Criteria: CeGaT Center For Human Genetics Tuebingen Variant Classification Criteria Version 2. Collection method: clinical testing. Allele origin: germline. Affected: yes. Observed: 1 variant allele.
Comment: ATP8B1: BP4, BP7

Literature cited by the submitters: PubMed 24260417 (cited by Genomenon, Inc).